The following is an entry in ClinVar:

NM_005876.5(SPEG):c.1103C>T (p.Thr368Ile)

Gene: SPEG (striated muscle enriched protein kinase; plus strand). Cytogenetic location: 2q35.
Variant type: single nucleotide variant.
Coding change: c.1103C>T on transcript NM_005876.5 (MANE Select); coding-DNA position 1103, C replaced by T.
Protein change: p.Thr368Ile; replaces threonine 368 with isoleucine.
Molecular consequence: missense variant.
Genome position (GRCh38, 1-based): chr2:219,448,261, C>T. VCF-style: chr2-219448261-C-T. GRCh37 (hg19) VCF-style: chr2-220312983-C-T.
Other names: short protein forms T368I.
Identifiers: ClinVar variation 1378402 (VCV001378402.6), dbSNP rs2125280449, ClinGen allele CA350717073.

ClinVar aggregate classification (germline): Uncertain significance (1 of 4 stars; one submission).

Submission:

Labcorp Genetics (formerly Invitae), Labcorp
Classification: Uncertain significance. Last evaluated: 2021-09-29. Review status: criteria provided, single submitter. Criteria: Invitae Variant Classification Sherloc (09022015). Collection method: clinical testing. Allele origin: germline.
Comment: In summary, the available evidence is currently insufficient to determine the role of this variant in disease. Therefore, it has been classified as a Variant of Uncertain Significance. Advanced modeling of protein sequence and biophysical properties (such as structural, functional, and spatial information, amino acid conservation, physicochemical variation, residue mobility, and thermodynamic stability) performed at Invitae indicates that this missense variant is expected to disrupt SPEG protein function. This variant has not been reported in the literature in individuals affected with SPEG-related conditions. This variant is not present in population databases (ExAC no frequency). This sequence change replaces threonine with isoleucine at codon 368 of the SPEG protein (p.Thr368Ile). The threonine residue is highly conserved and there is a moderate physicochemical difference between threonine and isoleucine.